The following is an entry in ClinVar:

NM_052947.4(ALPK2):c.5945G>A (p.Cys1982Tyr)

Gene: ALPK2 (alpha kinase 2; minus strand). Cytogenetic location: 18q21.31.
Variant type: single nucleotide variant.
Coding change: c.5945G>A on transcript NM_052947.4 (MANE Select); coding-DNA position 5945, G replaced by A.
Protein change: p.Cys1982Tyr; replaces cysteine 1982 with tyrosine.
Molecular consequence: missense variant.
Genome position (GRCh38, 1-based): chr18:58,515,077, C>T on the plus strand (G>A on the coding strand, the complement: ALPK2 is on the minus strand). VCF-style: chr18-58515077-C-T. GRCh37 (hg19) VCF-style: chr18-56182309-C-T.
Other names: short protein forms C1982Y.
Identifiers: ClinVar variation 1750639 (VCV001750639.3), dbSNP rs2518861377, ClinGen allele CA402546572.
Genomic context (GRCh38, chr18:58,515,077, plus strand): 5'-AGAGGCTGTGCTTCAGCAGCGTAGATCTTGGCATAATACCTGGCAGTATTTTGAACATAG[C>T]ATTCCTATATCGCCAAAATACATAGAAAGCCCCAGTGACTACAGGAAATTCAGACAGTAT-3'
Protein context (NP_443179.3, residues 1972-1992): QRNYKLAAQE[Cys1982Tyr]YVQNTARYYA

ClinVar aggregate classification (germline): Uncertain significance (1 of 4 stars; one submission).

Allele frequency attached by ClinVar (database versions not stated): gnomAD exomes below 0.00001.
gnomAD v4.1: 2 of 1,610,762 alleles (0.00012%); highest among the groups gnomAD compares: Non-Finnish European, 0.00017%; no homozygotes.

Submission:

Ambry Genetics
Classification: Uncertain significance. Last evaluated: 2024-07-01. Review status: criteria provided, single submitter. Criteria: Ambry Variant Classification Scheme 2023. Collection method: clinical testing. Allele origin: germline.
Comment: The p.C1982Y variant (also known as c.5945G>A), located in coding exon 9 of the ALPK2 gene, results from a G to A substitution at nucleotide position 5945. The cysteine at codon 1982 is replaced by tyrosine, an amino acid with highly dissimilar properties. This amino acid position is conserved. In addition, this alteration is predicted to be tolerated by in silico analysis. Since supporting evidence is limited at this time, the clinical significance of this alteration remains unclear.